The following is an entry in ClinVar:

ClinVar aggregate classification (germline): Uncertain significance (1 of 4 stars; one submission).

Conditions:
Progressive sclerosing poliodystrophy (MTDPS4A). Also called: Mitochondrial DNA Depletion Syndrome 4A; ALPERS PROGRESSIVE INFANTILE POLIODYSTROPHY; NEURONAL DEGENERATION OF CHILDHOOD WITH LIVER DISEASE, PROGRESSIVE; Mitochondrial DNA depletion syndrome 4A (Alpers type); Alpers Syndrome; ALPERS DIFFUSE DEGENERATION OF CEREBRAL GRAY MATTER WITH HEPATIC CIRRHOSIS. Identifiers: Orphanet 726, MedGen C0205710, MONDO:0008758, OMIM 203700.

Submission:

Labcorp Genetics (formerly Invitae), Labcorp
Classification: Uncertain significance for Progressive sclerosing poliodystrophy. Last evaluated: 2023-08-27. Review status: criteria provided, single submitter. Criteria: Invitae Variant Classification Sherloc (09022015). Collection method: clinical testing. Allele origin: germline.
Comment: This sequence change falls in intron 21 of the POLG gene. It does not directly change the encoded amino acid sequence of the POLG protein. This variant is not present in population databases (gnomAD no frequency). This variant has not been reported in the literature in individuals affected with POLG-related conditions. Algorithms developed to predict the effect of sequence changes on RNA splicing suggest that this variant may disrupt the consensus splice site. In summary, the available evidence is currently insufficient to determine the role of this variant in disease. Therefore, it has been classified as a Variant of Uncertain Significance.

NM_002693.3(POLG):c.3483-19_3483-17del

Gene: POLG (DNA polymerase gamma, catalytic subunit; minus strand). Cytogenetic location: 15q26.1.
Variant type: Deletion.
Coding change: c.3483-19_3483-17del on transcript NM_002693.3 (MANE Select); 19 bases into the intron before coding-DNA position 3483 through 17 bases into the intron before coding-DNA position 3483, 3 bases deleted (TAG; older notation c.3483-19_3483-17delTAG).
Molecular consequence: intron variant.
Genome position (GRCh38, 1-based): chr15:89,317,553-89,317,555, CTA deleted on the plus strand (TAG on the coding strand, the reverse complement: POLG is on the minus strand); deleting any 3 consecutive bases within chr15:89,317,553-89,317,557 gives the same sequence; the c. name uses the placement nearest the transcript's 3' end. VCF-style (leftmost placement, unchanged base first): chr15-89317552-TCTA-T. GRCh37 (hg19) VCF-style: chr15-89860783-TCTA-T.
Other names: c.3483-19_3483-17del (NM_001126131.2).
Identifiers: ClinVar variation 3011612 (VCV003011612.3), dbSNP rs2055315172, ClinGen allele CA972592603.
Genomic context (GRCh38, chr15:89,317,552, plus strand): 5'-GACTGGGGCAAGTCATTCAGACCCAGCTTGTAGGCAAACATGCACCTGAAAGAGACCCAA[TCTA>T]CTCTCACAGTCATGCCCCTCCTGTGAACAGATGCATCACTCCTGGAGCAATGACCCCACA-3'